The following is an entry in ClinVar:

ClinVar aggregate classification (germline): Likely benign (1 of 4 stars; one submission).

Submission:

CeGaT Center for Human Genetics Tuebingen
Classification: Likely benign. Last evaluated: 2026-05-01. Review status: criteria provided, single submitter. Criteria: CeGaT Center For Human Genetics Tuebingen Variant Classification Criteria Version 2. Collection method: clinical testing. Allele origin: germline. Affected: yes. Observed: 1 variant allele.
Comment: PLIN4: BP4, BS1

NM_001367868.2(PLIN4):c.2353A>G (p.Met785Val)

Gene: PLIN4 (perilipin 4; minus strand). Cytogenetic location: 19p13.3.
Variant type: single nucleotide variant.
Coding change: c.2353A>G on transcript NM_001367868.2 (MANE Select); coding-DNA position 2353, A replaced by G.
Protein change: p.Met785Val; replaces methionine 785 with valine.
Molecular consequence: missense variant.
Genome position (GRCh38, 1-based): chr19:4,511,607, T>C on the plus strand (A>G on the coding strand, the complement: PLIN4 is on the minus strand). VCF-style: chr19-4511607-T-C. GRCh37 (hg19) VCF-style: chr19-4511619-T-C.
Other names: c.2356A>G, p.Met786Val (NM_001393888.1, NM_001393889.1); c.2353A>G, p.Met785Val (NM_001393890.1, NM_001393891.1); short protein forms M785V, M786V.
Identifiers: ClinVar variation 4871922 (VCV004871922.2).